The following is an entry in ClinVar:

ClinVar aggregate classification (germline): Likely benign (0 of 4 stars; one submission).

Conditions:
ADGRV1-related disorder. Also called: ADGRV1-related condition; ADGRV1-related disorders.

Submission:

PreventionGenetics, part of Exact Sciences
Classification: Likely benign for ADGRV1-related condition. Last evaluated: 2021-04-01. Review status: no assertion criteria provided. Collection method: clinical testing. Allele origin: germline.
Comment: This variant is classified as likely benign based on ACMG/AMP sequence variant interpretation guidelines (Richards et al. 2015 PMID: 25741868, with internal and published modifications).

NM_032119.4(ADGRV1):c.9185-10del

Gene: ADGRV1 (adhesion G protein-coupled receptor V1; plus strand). Cytogenetic location: 5q14.3.
Variant type: Deletion.
Coding change: c.9185-10del on transcript NM_032119.4 (MANE Select); 10 bases into the intron before coding-DNA position 9185, one base deleted (A; older notation c.9185-10delA).
Molecular consequence: intron variant.
Genome position (GRCh38, 1-based): chr5:90,716,457, A deleted. VCF-style (leftmost placement, unchanged base first): chr5-90716456-TA-T. GRCh37 (hg19) VCF-style: chr5-90012273-TA-T.
Identifiers: ClinVar variation 3030059 (VCV003030059.2), dbSNP rs2531208340, ClinGen allele CA2740091777.
Genomic context (GRCh38, chr5:90,716,456, plus strand): 5'-ATCCACACTTTTTTCAGCATTTATAACCTCTTCTATTTTCATTTGTTGCTTTAATATTTT[TA>T]TTTTGGCAGCCTTAATTATTGTCCTTGCTAATGATGACGGCCCTGGAGTTCTATCATTTA-3'